The following is an entry in ClinVar:

ClinVar aggregate classification (germline): Uncertain significance (1 of 4 stars; one submission).

Submission:

Labcorp Genetics (formerly Invitae), Labcorp
Classification: Uncertain significance. Last evaluated: 2024-01-11. Review status: criteria provided, single submitter. Criteria: Invitae Variant Classification Sherloc (09022015). Collection method: clinical testing. Allele origin: germline.
Comment: This sequence change falls in intron 12 of the CTNNA1 gene. It does not directly change the encoded amino acid sequence of the CTNNA1 protein. It affects a nucleotide within the consensus splice site. This variant is not present in population databases (gnomAD no frequency). This variant has not been reported in the literature in individuals affected with CTNNA1-related conditions. Variants that disrupt the consensus splice site are a relatively common cause of aberrant splicing (PMID: 17576681, 9536098). Algorithms developed to predict the effect of sequence changes on RNA splicing suggest that this variant may disrupt the consensus splice site. In summary, the available evidence is currently insufficient to determine the role of this variant in disease. Therefore, it has been classified as a Variant of Uncertain Significance.

Literature cited by the submitters: PubMed 17576681; PubMed 9536098.

NM_001903.5(CTNNA1):c.1747+2_1747+3insTCCAAC

Gene: CTNNA1 (catenin alpha 1; plus strand). Cytogenetic location: 5q31.2.
Variant type: Insertion.
Coding change: c.1747+2_1747+3insTCCAAC on transcript NM_001903.5 (MANE Select); the canonical splice donor site of the intron after coding-DNA position 1747 through 3 bases into the intron after coding-DNA position 1747, TCCAAC inserted.
Molecular consequence: intron variant.
Genome position: GRCh38 VCF-style: chr5-138924712-T-TTCCAAC. GRCh37 (hg19) VCF-style: chr5-138260401-T-TTCCAAC.
Other names: c.637+2_637+3insTCCAAC (NM_001323997.1, NM_001323992.1, NM_001323995.1 and 17 more transcripts); c.298+2_298+3insTCCAAC (NM_001324006.1, NM_001324008.1, NM_001324010.1 and 2 more transcripts); c.544+2_544+3insTCCAAC (NM_001324011.1); c.394+2_394+3insTCCAAC (NM_001324012.1, NM_001324013.1); c.1747+2_1747+3insTCCAAC (NM_001323982.2, NM_001323984.2, NM_001290307.3 and 2 more transcripts); c.1654+2_1654+3insTCCAAC (NM_001323986.2); c.1378+2_1378+3insTCCAAC (NM_001290310.3); c.1438+2_1438+3insTCCAAC (NM_001290309.3).
Identifiers: ClinVar variation 2799857 (VCV002799857.3), dbSNP rs2533714731, ClinGen allele CA2739275084.
Genomic context (GRCh38, chr5:138,924,712, plus strand): 5'-TGAGCCAGGAGTCTACACAGAGAAGGTTCTGGAAGCCACTAAGCTGCTCTCCAACACAGG[T>TTCCAAC]ACGGGAACTCTCCCTTTCCAGTGCTCGCACACACCGCAGCCTCAGTGAGGCAGGCCACCC-3'